The following is an entry in ClinVar:

ClinVar aggregate classification (germline): Uncertain significance (1 of 4 stars; one submission).

Conditions:
Ehlers-Danlos syndrome, type 4 (EDSVASC). Also called: Ehlers-Danlos syndrome vascular type; Ehlers Danlos syndrome, ecchymotic type; Ehlers Danlos syndrome, arterial type; Ehlers Danlos syndrome, Sack-Barabas type; Ehlers-Danlos Syndrome Type IV. Identifiers: Orphanet 286, MedGen C0268338, MONDO:0017314, OMIM 130050.

Submission:

Labcorp Genetics (formerly Invitae), Labcorp
Classification: Uncertain significance for Ehlers-Danlos syndrome, type 4. Last evaluated: 2022-07-09. Review status: criteria provided, single submitter. Criteria: Invitae Variant Classification Sherloc (09022015). Collection method: clinical testing. Allele origin: germline.
Comment: Advanced modeling of protein sequence and biophysical properties (such as structural, functional, and spatial information, amino acid conservation, physicochemical variation, residue mobility, and thermodynamic stability) performed at Invitae indicates that this missense variant is not expected to disrupt COL3A1 protein function. In summary, the available evidence is currently insufficient to determine the role of this variant in disease. Therefore, it has been classified as a Variant of Uncertain Significance. This variant has not been reported in the literature in individuals affected with COL3A1-related conditions. This variant is not present in population databases (gnomAD no frequency). This sequence change replaces aspartic acid, which is acidic and polar, with glutamic acid, which is acidic and polar, at codon 742 of the COL3A1 protein (p.Asp742Glu).

NM_000090.4(COL3A1):c.2226C>A (p.Asp742Glu)

Gene: COL3A1 (collagen type III alpha 1 chain; plus strand). Cytogenetic location: 2q32.2.
Variant type: single nucleotide variant.
Coding change: c.2226C>A on transcript NM_000090.4 (MANE Select); coding-DNA position 2226, C replaced by A.
Protein change: p.Asp742Glu; replaces aspartic acid 742 with glutamic acid.
Molecular consequence: missense variant.
Genome position (GRCh38, 1-based): chr2:188,999,574, C>A. VCF-style: chr2-188999574-C-A. GRCh37 (hg19) VCF-style: chr2-189864300-C-A.
Other names: short protein forms D742E.
Identifiers: ClinVar variation 2015360 (VCV002015360.4), dbSNP rs764654163, ClinGen allele CA349840996.